The following is an entry in ClinVar:

ClinVar aggregate classification (germline): Uncertain significance (1 of 4 stars; one submission).

Submission:

Labcorp Genetics (formerly Invitae), Labcorp
Classification: Uncertain significance. Last evaluated: 2022-03-20. Review status: criteria provided, single submitter. Criteria: Invitae Variant Classification Sherloc (09022015). Collection method: clinical testing. Allele origin: germline.
Comment: This variant is not present in population databases (gnomAD no frequency). This sequence change replaces lysine, which is basic and polar, with asparagine, which is neutral and polar, at codon 311 of the EXOSC9 protein (p.Lys311Asn). This variant has not been reported in the literature in individuals affected with EXOSC9-related conditions. Algorithms developed to predict the effect of missense changes on protein structure and function are either unavailable or do not agree on the potential impact of this missense change (SIFT: "Deleterious"; PolyPhen-2: "Benign"; Align-GVGD: "Class C0"). In summary, the available evidence is currently insufficient to determine the role of this variant in disease. Therefore, it has been classified as a Variant of Uncertain Significance.

NM_005033.3(EXOSC9):c.933A>C (p.Lys311Asn)

Gene: EXOSC9 (exosome component 9; plus strand). Cytogenetic location: 4q27.
Variant type: single nucleotide variant.
Coding change: c.933A>C on transcript NM_005033.3 (MANE Select); coding-DNA position 933, A replaced by C.
Protein change: p.Lys311Asn; replaces lysine 311 with asparagine.
Molecular consequence: missense variant.
Genome position (GRCh38, 1-based): chr4:121,813,339, A>C. VCF-style: chr4-121813339-A-C. GRCh37 (hg19) VCF-style: chr4-122734494-A-C.
Other names: c.933A>C, p.Lys311Asn (NM_001034194.2); short protein forms K311N.
Identifiers: ClinVar variation 2192028 (VCV002192028.3), dbSNP rs2476773571, ClinGen allele CA358045787.